The following is an entry in ClinVar:

ClinVar aggregate classification (germline): Uncertain significance (1 of 4 stars; one submission).

Conditions:
TH-deficient dopa-responsive dystonia. Also called: Tyrosine Hydroxylase-Deficient Dopa-Responsive Dystonia; Segawa syndrome, autosomal recessive; DYT-TH. Identifiers: Orphanet 101150, MedGen C2673535, MONDO:0011551, OMIM 605407.

Allele frequency attached by ClinVar (database versions not stated): ExAC 0.00001; gnomAD exomes 0.00001; TOPMed 0.00004; gnomAD 0.00005; ESP Exome Variant Server 0.00008.

Submission:

Labcorp Genetics (formerly Invitae), Labcorp
Classification: Uncertain significance for TH-deficient dopa-responsive dystonia. Last evaluated: 2022-08-05. Review status: criteria provided, single submitter. Criteria: Invitae Variant Classification Sherloc (09022015). Collection method: clinical testing. Allele origin: germline.
Comment: This sequence change replaces alanine, which is neutral and non-polar, with valine, which is neutral and non-polar, at codon 82 of the TH protein (p.Ala82Val). This variant is present in population databases (rs375643300, gnomAD 0.01%). This variant has not been reported in the literature in individuals affected with TH-related conditions. Advanced modeling of protein sequence and biophysical properties (such as structural, functional, and spatial information, amino acid conservation, physicochemical variation, residue mobility, and thermodynamic stability) performed at Invitae indicates that this missense variant is not expected to disrupt TH protein function. Algorithms developed to predict the effect of sequence changes on RNA splicing suggest that this variant may create or strengthen a splice site. In summary, the available evidence is currently insufficient to determine the role of this variant in disease. Therefore, it has been classified as a Variant of Uncertain Significance.

NM_000360.4(TH):c.152C>T (p.Ala51Val)

Gene: TH (tyrosine hydroxylase; minus strand). Cytogenetic location: 11p15.5.
Variant type: single nucleotide variant.
Coding change: c.152C>T on transcript NM_000360.4 (MANE Select); coding-DNA position 152, C replaced by T.
Protein change: p.Ala51Val; replaces alanine 51 with valine.
Molecular consequence: missense variant.
Genome position (GRCh38, 1-based): chr11:2,169,810, G>A on the plus strand (C>T on the coding strand, the complement: TH is on the minus strand). VCF-style: chr11-2169810-G-A. GRCh37 (hg19) VCF-style: chr11-2191040-G-A.
Other names: c.245C>T, p.Ala82Val (NM_199292.3); c.233C>T, p.Ala78Val (NM_199293.3); short protein forms A51V, A82V, A78V.
Identifiers: ClinVar variation 2192273 (VCV002192273.1), dbSNP rs375643300, ClinGen allele CA5818782.